The following is an entry in ClinVar:

NM_006785.4(MALT1):c.517T>C (p.Ser173Pro)

Gene: MALT1 (MALT1 paracaspase; plus strand). Cytogenetic location: 18q21.32.
Variant type: single nucleotide variant.
Coding change: c.517T>C on transcript NM_006785.4 (MANE Select); coding-DNA position 517, T replaced by C.
Protein change: p.Ser173Pro; replaces serine 173 with proline.
Molecular consequence: missense variant.
Genome position (GRCh38, 1-based): chr18:58,700,459, T>C. VCF-style: chr18-58700459-T-C. GRCh37 (hg19) VCF-style: chr18-56367691-T-C.
Other names: c.517T>C, p.Ser173Pro (NM_173844.3); short protein forms S173P.
Identifiers: ClinVar variation 1435855 (VCV001435855.6), dbSNP rs763791134, ClinGen allele CA8977662.

ClinVar aggregate classification (germline): Uncertain significance (1 of 4 stars; one submission).

Conditions:
Combined immunodeficiency due to MALT1 deficiency. Also called: Immunodeficiency 12. Identifiers: Orphanet 397964, MedGen C3809583, MONDO:0014197, OMIM 615468.

Allele frequency attached by ClinVar (database versions not stated): TOPMed below 0.00001; gnomAD exomes 0.00001 and 0.00003; ExAC 0.00002.
gnomAD v4.1: 22 of 1,603,244 alleles (0.0014%); highest among the groups gnomAD compares: Non-Finnish European, 0.00034%; no homozygotes.

Submission:

Labcorp Genetics (formerly Invitae), Labcorp
Classification: Uncertain significance for Combined immunodeficiency due to MALT1 deficiency. Last evaluated: 2021-07-07. Review status: criteria provided, single submitter. Criteria: Invitae Variant Classification Sherloc (09022015). Collection method: clinical testing. Allele origin: germline.
Comment: This sequence change replaces serine with proline at codon 173 of the MALT1 protein (p.Ser173Pro). The serine residue is moderately conserved and there is a moderate physicochemical difference between serine and proline. This variant is present in population databases (rs763791134, ExAC 0.003%). This variant has not been reported in the literature in individuals affected with MALT1-related conditions. Algorithms developed to predict the effect of missense changes on protein structure and function output the following: SIFT: "Tolerated"; PolyPhen-2: "Benign"; Align-GVGD: "Class C0". The proline amino acid residue is found in multiple mammalian species, which suggests that this missense change does not adversely affect protein function. In summary, the available evidence is currently insufficient to determine the role of this variant in disease. Therefore, it has been classified as a Variant of Uncertain Significance.